The following is an entry in ClinVar:

ClinVar aggregate classification (germline): Benign/Likely benign. Review status: criteria provided, multiple submitters, no conflicts (2 of 4 stars). 8 submissions from 8 submitters: Benign (3); Likely benign (4). 1 of the submissions does not count toward it. Last evaluated 2026-05-01.

Conditions:
Autosomal dominant Parkinson disease 8. Also called: LRRK2-Related Parkinson Disease; Parkinson disease 8; Parkinson disease 8, susceptibility to. Identifiers: Orphanet 411602, MedGen C1846862, MONDO:0011764, OMIM 607060.

Allele frequency attached by ClinVar (database versions not stated): gnomAD exomes 0.00060 and 0.00246; gnomAD 0.00121 and 0.00138; ExAC 0.00186; TOPMed 0.00248; 1000 Genomes Project 0.00559; 1000 Genomes Project 30x 0.00609.

Submissions (8):

CeGaT Center for Human Genetics Tuebingen
Classification: Benign. Last evaluated: 2026-05-01. Review status: criteria provided, single submitter. Criteria: CeGaT Center For Human Genetics Tuebingen Variant Classification Criteria Version 2. Collection method: clinical testing. Allele origin: germline. Affected: yes. Observed: 3 variant alleles.
Comment: LRRK2: BP4, BS1, BS2

Labcorp Genetics (formerly Invitae), Labcorp
Classification: Benign for Autosomal dominant Parkinson disease 8. Last evaluated: 2026-01-26. Review status: criteria provided, single submitter. Criteria: Invitae Variant Classification Sherloc (09022015). Collection method: clinical testing. Allele origin: germline.

Fulgent Genetics
Classification: Likely benign for Autosomal dominant Parkinson disease 8. Last evaluated: 2021-08-09. Review status: criteria provided, single submitter. Criteria: ACMG Guidelines, 2015. Collection method: clinical testing. Allele origin: unknown.

GeneDx
Classification: Likely benign. Last evaluated: 2020-10-25. Review status: criteria provided, single submitter. Criteria: GeneDx Variant Classification Process June 2021. Collection method: clinical testing. Allele origin: germline. Affected: yes.
Comment: This variant is associated with the following publications: (PMID: 30598256, 27535533, 17804834, 24488318, 20642453)

Illumina Laboratory Services, Illumina
Classification: Likely benign for Autosomal dominant Parkinson disease 8. Last evaluated: 2017-04-28. Review status: criteria provided, single submitter. Criteria: ICSL Variant Classification Criteria 13 December 2019. Collection method: clinical testing. Allele origin: germline.
Comment: This variant was observed as part of a predisposition screen in an ostensibly healthy population. A literature search was performed for the gene, cDNA change, and amino acid change (where applicable). Publications were found based on this search. The evidence from the literature, in combination with allele frequency data from public databases where available, was sufficient to determine this variant is unlikely to cause disease. Therefore, this variant is classified as likely benign.

Breakthrough Genomics
Classification: Likely benign. Review status: criteria provided, single submitter. Criteria: ACMG Guidelines, 2015. Collection method: not provided. Allele origin: germline. Inheritance: Autosomal dominant inheritance. Affected: yes.

Broad Center for Mendelian Genomics, Broad Institute of MIT and Harvard
Classification: Benign for Autosomal dominant Parkinson disease 8. Review status: criteria provided, single submitter. Criteria: ACMG Guidelines, 2015. Collection method: research. Allele origin: germline. Inheritance: Autosomal dominant inheritance. Affected: yes.
Comment: The heterozygous p.Gln1111His variant in LRRK2 has been identified in 2 Hispanic siblings with Parkinson's disease (PMID: 17804834), and has been identified in >1% of Latino chromosomes and 6 homozygotes by ExAC. In vitro functional studies provide some evidence that the p.Gln1111His variant will not impact protein function (PMID: 20642453). However, these types of assays may not accurately represent biological function. In summary, this variant meets criteria to be classified as benign for autosomal dominant Parkinson's disease.

GeneReviews
No classification provided. Condition: Autosomal dominant Parkinson disease 8. Review status: no classification provided. Collection method: literature only. Allele origin: unknown. Not counted in ClinVar's aggregate classification.

Literature cited by the submitters: PubMed 18973807 (cited by Illumina Laboratory Services, Illumina); PubMed 24488318 (cited by Illumina Laboratory Services, Illumina); PubMed 17804834 (cited by Illumina Laboratory Services, Illumina and Broad Center for Mendelian Genomics, Broad Institute of MIT and Harvard); PubMed 21632271 (cited by Illumina Laboratory Services, Illumina); PubMed 21885347 (cited by Illumina Laboratory Services, Illumina); PubMed 21661047 (cited by Illumina Laboratory Services, Illumina); PubMed 20642453 (cited by Broad Center for Mendelian Genomics, Broad Institute of MIT and Harvard); PubMed 20301387 (cited by GeneReviews); NCBI Bookshelf NBK1208 (cited by GeneReviews).

NM_198578.4(LRRK2):c.3333G>T (p.Gln1111His)

Gene: LRRK2 (leucine rich repeat kinase 2; plus strand). Cytogenetic location: 12q12.
Variant type: single nucleotide variant.
Coding change: c.3333G>T on transcript NM_198578.4 (MANE Select); coding-DNA position 3333, G replaced by T.
Protein change: p.Gln1111His; replaces glutamine 1111 with histidine.
Molecular consequence: missense variant.
Genome position (GRCh38, 1-based): chr12:40,298,479, G>T. VCF-style: chr12-40298479-G-T. GRCh37 (hg19) VCF-style: chr12-40692281-G-T.
Other names: short protein forms Q1111H.
Identifiers: ClinVar variation 39163 (VCV000039163.25), dbSNP rs78365431, ClinGen allele CA343537.